The following is an entry in ClinVar:

ClinVar aggregate classification (germline): Uncertain significance (1 of 4 stars; one submission).

Conditions:
Familial hypocalciuric hypercalcemia (FHH). Also called: Familial benign hypercalcemia. Identifiers: Orphanet 405, MedGen C1809471, MONDO:0018458.
Autosomal dominant hypocalcemia 1 (HYPOC1). Also called: HYPOCALCEMIA, FAMILIAL. Identifiers: MedGen C3715128, MONDO:0011013, OMIM 601198.

Submission:

Labcorp Genetics (formerly Invitae), Labcorp
Classification: Uncertain significance for Familial hypocalciuric hypercalcemia; Autosomal dominant hypocalcemia 1. Last evaluated: 2024-04-23. Review status: criteria provided, single submitter. Criteria: Invitae Variant Classification Sherloc (09022015). Collection method: clinical testing. Allele origin: germline.
Comment: This sequence change replaces lysine, which is basic and polar, with glutamic acid, which is acidic and polar, at codon 52 of the CASR protein (p.Lys52Glu). This variant is not present in population databases (gnomAD no frequency). This variant has not been reported in the literature in individuals affected with CASR-related conditions. ClinVar contains an entry for this variant (Variation ID: 1716210). Algorithms developed to predict the effect of missense changes on protein structure and function output the following: SIFT: "Not Available"; PolyPhen-2: "Benign"; Align-GVGD: "Not Available". The glutamic acid amino acid residue is found in multiple mammalian species, which suggests that this missense change does not adversely affect protein function. In summary, the available evidence is currently insufficient to determine the role of this variant in disease. Therefore, it has been classified as a Variant of Uncertain Significance.

NM_000388.4(CASR):c.154A>G (p.Lys52Glu)

Gene: CASR (calcium sensing receptor; plus strand). Cytogenetic location: 3q21.1.
Variant type: single nucleotide variant.
Coding change: c.154A>G on transcript NM_000388.4 (MANE Select); coding-DNA position 154, A replaced by G.
Protein change: p.Lys52Glu; replaces lysine 52 with glutamic acid.
Molecular consequence: missense variant.
Genome position (GRCh38, 1-based): chr3:122,254,343, A>G. VCF-style: chr3-122254343-A-G. GRCh37 (hg19) VCF-style: chr3-121973190-A-G.
Other names: c.154A>G, p.Lys52Glu (NM_001178065.2); short protein forms K52E.
Identifiers: ClinVar variation 1716210 (VCV001716210.6), dbSNP rs2473205722, ClinGen allele CA354362246.